The following is an entry in ClinVar:

ClinVar aggregate classification (germline): Uncertain significance (1 of 4 stars; one submission).

Conditions:
Pityriasis rubra pilaris (PRP). Also called: Pityriasis rubra pilaris--familial type. Identifiers: Orphanet 2897, MedGen C0032027, MONDO:0100017, OMIM 173200, MONDO:0008251.
Psoriasis 2. Identifiers: MedGen C1864497, MONDO:0011269, OMIM 602723.

gnomAD v4.1: 3 of 1,593,262 alleles (0.00019%); highest among the groups gnomAD compares: Non-Finnish European, 0.00026%; no homozygotes.

Submission:

Labcorp Genetics (formerly Invitae), Labcorp
Classification: Uncertain significance for Pityriasis rubra pilaris; Psoriasis 2. Last evaluated: 2023-02-16. Review status: criteria provided, single submitter. Criteria: Invitae Variant Classification Sherloc (09022015). Collection method: clinical testing. Allele origin: germline.
Comment: In summary, the available evidence is currently insufficient to determine the role of this variant in disease. Therefore, it has been classified as a Variant of Uncertain Significance. This variant is not present in population databases (gnomAD no frequency). Variants that disrupt the consensus splice site are a relatively common cause of aberrant splicing (PMID: 17576681, 9536098). Algorithms developed to predict the effect of sequence changes on RNA splicing suggest that this variant is not likely to affect RNA splicing. This variant has not been reported in the literature in individuals affected with CARD14-related conditions. This sequence change falls in intron 6 of the CARD14 gene. It does not directly change the encoded amino acid sequence of the CARD14 protein. It affects a nucleotide within the consensus splice site.

Literature cited by the submitters: PubMed 17576681; PubMed 9536098.

NM_001366385.1(CARD14):c.963+6G>C

Gene: CARD14 (caspase recruitment domain family member 14; plus strand). Cytogenetic location: 17q25.3.
Variant type: single nucleotide variant.
Coding change: c.963+6G>C on transcript NM_001366385.1 (MANE Select); 6 bases into the intron after coding-DNA position 963, G replaced by C.
Molecular consequence: intron variant.
Genome position (GRCh38, 1-based): chr17:80,189,878, G>C. VCF-style: chr17-80189878-G-C. GRCh37 (hg19) VCF-style: chr17-78163677-G-C.
Other names: c.963+6G>C (NM_024110.4, NM_001257970.1); c.252+6G>C (NM_052819.3).
Identifiers: ClinVar variation 1982374 (VCV001982374.4), dbSNP rs376630011, ClinGen allele CA294864117.
Genomic context (GRCh38, chr17:80,189,878, plus strand): 5'-GCGCATCCACTCGCTGCGGGAGCGGGCCGTGGCTGCCGAGAGGCAGCGAGAGCAGGTGCC[G>C]TGTGAGCCCTTCCTCCCTTGTGACTCTCCTGGGGCTTGTCTCAGGGGTGCGGACAGGTCT-3'